The following is an entry in ClinVar:

NM_002843.4(PTPRJ):c.2532C>T (p.His844=)

Gene: PTPRJ (protein tyrosine phosphatase receptor type J; plus strand). Cytogenetic location: 11p11.2.
Variant type: single nucleotide variant.
Coding change: c.2532C>T on transcript NM_002843.4 (MANE Select); coding-DNA position 2532, C replaced by T.
Protein change: p.His844=; no amino-acid change (histidine 844 retained).
Molecular consequence: synonymous variant.
Genome position (GRCh38, 1-based): chr11:48,143,007, C>T. VCF-style: chr11-48143007-C-T. GRCh37 (hg19) VCF-style: chr11-48164559-C-T.
Identifiers: ClinVar variation 4977934 (VCV004977934.1).
Genomic context (GRCh38, chr11:48,143,007, plus strand): 5'-TATTACATCTGTCAGTCACAATTCAGTAAAGGTCAAGTTCAGTGGATTTGAAGCCAGCCA[C>T]GGACCCATCAAAGCCTATGCTGTCATTCTCACCACCGGGGAAGGTAAGGAGAGGCCTCCG-3'
Protein context (NP_002834.3, residues 834-854): KVKFSGFEAS[His844=]GPIKAYAVIL

ClinVar aggregate classification (germline): Likely benign (1 of 4 stars; one submission).

Conditions:
PTPRJ-related disorder. Also called: PTPRJ-related condition.

gnomAD v4.1: 97 of 1,614,060 alleles (0.006%); highest among the groups gnomAD compares: African/African-American, 0.027%; no homozygotes.

Submission:

PreventionGenetics, part of Exact Sciences
Classification: Likely benign for PTPRJ-related condition. Last evaluated: 2025-08-18. Review status: criteria provided, single submitter. Criteria: ACMG Guidelines, 2015. Collection method: clinical testing. Allele origin: germline.
Comment: This variant is classified as likely benign based on ACMG/AMP sequence variant interpretation guidelines (Richards et al. 2015 PMID: 25741868, with internal and published modifications).